The following is an entry in ClinVar:

ClinVar aggregate classification (germline): Uncertain significance. Review status: criteria provided, multiple submitters, no conflicts (2 of 4 stars). 2 submissions from 2 submitters: Uncertain significance (2). Last evaluated 2025-07-23.

Submissions (2):

Labcorp Genetics (formerly Invitae), Labcorp
Classification: Uncertain significance. Last evaluated: 2025-07-23. Review status: criteria provided, single submitter. Criteria: Invitae Variant Classification Sherloc (09022015). Collection method: clinical testing. Allele origin: germline.
Comment: This sequence change replaces arginine, which is basic and polar, with tryptophan, which is neutral and slightly polar, at codon 79 of the RAX2 protein (p.Arg79Trp). This variant is not present in population databases (gnomAD no frequency). This missense change has been observed in individual(s) with clinical features of autosomal recessive RAX2-related conditions (internal data). ClinVar contains an entry for this variant (Variation ID: 1519769). An algorithm developed to predict the effect of missense changes on protein structure and function outputs the following: PolyPhen-2: "Probably Damaging". The tryptophan amino acid residue is found in multiple mammalian species, which suggests that this missense change does not adversely affect protein function. This variant disrupts the p.Arg79 amino acid residue in RAX2. Other variant(s) that disrupt this residue have been determined to be pathogenic (PMID: 34662339; internal data). This suggests that this residue is clinically significant, and that variants that disrupt this residue are likely to be disease-causing. In summary, the available evidence is currently insufficient to determine the role of this variant in disease. Therefore, it has been classified as a Variant of Uncertain Significance.

Blueprint Genetics
Classification: Uncertain significance. Last evaluated: 2023-11-22. Review status: criteria provided, single submitter. Criteria: ACMG Guidelines, 2015. Collection method: clinical testing. Allele origin: germline.

Literature cited by the submitters: PubMed 34662339 (cited by Labcorp Genetics (formerly Invitae), Labcorp).

NM_001319074.4(RAX2):c.235C>T (p.Arg79Trp)

Gene: RAX2 (retina and anterior neural fold homeobox 2; minus strand). Cytogenetic location: 19p13.3.
Variant type: single nucleotide variant.
Coding change: c.235C>T on transcript NM_001319074.4 (MANE Select); coding-DNA position 235, C replaced by T.
Protein change: p.Arg79Trp; replaces arginine 79 with tryptophan.
Molecular consequence: missense variant.
Genome position (GRCh38, 1-based): chr19:3,770,941, G>A on the plus strand (C>T on the coding strand, the complement: RAX2 is on the minus strand). VCF-style: chr19-3770941-G-A. GRCh37 (hg19) VCF-style: chr19-3770939-G-A.
Other names: c.235C>T, p.Arg79Trp (NM_032753.4); short protein forms R79W.
Identifiers: ClinVar variation 1519769 (VCV001519769.7), dbSNP rs1294461966, ClinGen allele CA403375129.
Genomic context (GRCh38, chr19:3,770,941, plus strand): 5'-TCGGAGCTGCCACGGCACCCGAGCCTGACTCCAGCCGCTCCTGGCGGCGCCACTTGGCCC[G>A]GCGGTTCTGGAACCACACCTGGAGGGTGCGAGAGGGAAGGGGGGTTGCTGTGAGCTCAGC-3'
Protein context (NP_001306003.2, residues 69-89): VRVQVWFQNR[Arg79Trp]AKWRRQERLE